The following is an entry in ClinVar:

NM_001453.3(FOXC1):c.683C>T (p.Thr228Ile)

Gene: FOXC1 (forkhead box C1; plus strand). Cytogenetic location: 6p25.3.
Variant type: single nucleotide variant.
Coding change: c.683C>T on transcript NM_001453.3 (MANE Select); coding-DNA position 683, C replaced by T.
Protein change: p.Thr228Ile; replaces threonine 228 with isoleucine.
Molecular consequence: missense variant.
Genome position (GRCh38, 1-based): chr6:1,611,128, C>T. VCF-style: chr6-1611128-C-T. GRCh37 (hg19) VCF-style: chr6-1611363-C-T.
Other names: c.683C>T (NM_001453.2); short protein forms T228I.
Identifiers: ClinVar variation 2413238 (VCV002413238.7), dbSNP rs1402674342, ClinGen allele CA362559356.
Genomic context (GRCh38, chr6:1,611,128, plus strand): 5'-AGGCCGACGGCAACGCGCCCGGTCCGCAGCCGCCGCCCGTGCGCATCCAGGACATCAAGA[C>T]CGAGAACGGTACGTGCCCCTCGCCGCCCCAGCCCCTGTCCCCGGCCGCCGCCCTGGGCAG-3'
Protein context (NP_001444.2, residues 218-238): PPPVRIQDIK[Thr228Ile]ENGTCPSPPQ

ClinVar aggregate classification (germline): Uncertain significance. Review status: criteria provided, multiple submitters, no conflicts (2 of 4 stars). 2 submissions from 2 submitters: Uncertain significance (2). Last evaluated 2025-03-21.

Conditions:
Inborn genetic diseases. Identifiers: MedGen C0950123, MeSH D030342.
Axenfeld-Rieger syndrome type 3 (RIEG3). Also called: AXENFELD-RIEGER ANOMALY WITH CARDIAC DEFECTS AND/OR SENSORINEURAL HEARING LOSS. Identifiers: Orphanet 782, MedGen C2678503, MONDO:0011233, OMIM 602482.

Allele frequency attached by ClinVar (database versions not stated): gnomAD 0.00001; gnomAD exomes 0.00001; TOPMed 0.00002.
gnomAD v4.1: 7 of 1,426,604 alleles (0.00049%); highest among the groups gnomAD compares: African/African-American, 0.003%; no homozygotes.

Submissions (2):

Ambry Genetics
Classification: Uncertain significance for Inborn genetic diseases. Last evaluated: 2025-03-21. Review status: criteria provided, single submitter. Criteria: Ambry Variant Classification Scheme 2023. Collection method: clinical testing. Allele origin: germline.

Labcorp Genetics (formerly Invitae), Labcorp
Classification: Uncertain significance for Axenfeld-Rieger syndrome type 3. Last evaluated: 2025-02-24. Review status: criteria provided, single submitter. Criteria: Invitae Variant Classification Sherloc (09022015). Collection method: clinical testing. Allele origin: germline.
Comment: This sequence change replaces threonine, which is neutral and polar, with isoleucine, which is neutral and non-polar, at codon 228 of the FOXC1 protein (p.Thr228Ile). This variant is present in population databases (no rsID available, gnomAD 0.01%). This variant has not been reported in the literature in individuals affected with FOXC1-related conditions. ClinVar contains an entry for this variant (Variation ID: 2413238). An algorithm developed to predict the effect of missense changes on protein structure and function (PolyPhen-2) suggests that this variant is likely to be disruptive. In summary, the available evidence is currently insufficient to determine the role of this variant in disease. Therefore, it has been classified as a Variant of Uncertain Significance.